The following is an entry in ClinVar:

ClinVar aggregate classification (germline): Uncertain significance (1 of 4 stars; one submission).

Conditions:
Gastrointestinal stromal tumor. Also called: Gastrointestinal stroma tumor; Gastrointestinal stromal tumor, somatic. Identifiers: Orphanet 44890, MedGen C0238198, MeSH D046152, MONDO:0011719, OMIM 606764, HP:0100723.

Submission:

Labcorp Genetics (formerly Invitae), Labcorp
Classification: Uncertain significance for Gastrointestinal stromal tumor. Last evaluated: 2025-05-05. Review status: criteria provided, single submitter. Criteria: Invitae Variant Classification Sherloc (09022015). Collection method: clinical testing. Allele origin: germline.
Comment: This sequence change replaces serine, which is neutral and polar, with alanine, which is neutral and non-polar, at codon 4 of the PDGFRA protein (p.Ser4Ala). This variant is not present in population databases (gnomAD no frequency). This variant has not been reported in the literature in individuals affected with PDGFRA-related conditions. ClinVar contains an entry for this variant (Variation ID: 1995404). An algorithm developed to predict the effect of missense changes on protein structure and function (PolyPhen-2) suggests that this variant is likely to be tolerated. In summary, the available evidence is currently insufficient to determine the role of this variant in disease. Therefore, it has been classified as a Variant of Uncertain Significance.

NM_006206.6(PDGFRA):c.10T>G (p.Ser4Ala)

Gene: PDGFRA (platelet derived growth factor receptor alpha; plus strand). Cytogenetic location: 4q12.
Variant type: single nucleotide variant.
Coding change: c.10T>G on transcript NM_006206.6 (MANE Select); coding-DNA position 10, T replaced by G.
Protein change: p.Ser4Ala; replaces serine 4 with alanine.
Molecular consequence: missense variant.
Genome position (GRCh38, 1-based): chr4:54,258,778, T>G. VCF-style: chr4-54258778-T-G. GRCh37 (hg19) VCF-style: chr4-55124945-T-G.
Other names: c.10T>G, p.Ser4Ala (NM_001347827.2, NM_001347829.2); c.85T>G, p.Ser29Ala (NM_001347828.2); c.49T>G, p.Ser17Ala (NM_001347830.2); short protein forms S17A, S4A, S29A.
Identifiers: ClinVar variation 1995404 (VCV001995404.4), dbSNP rs2475411858, ClinGen allele CA356888055.